The following is an entry in ClinVar:

ClinVar aggregate classification (germline): Uncertain significance (1 of 4 stars; one submission).

Allele frequency attached by ClinVar (database versions not stated): TOPMed below 0.00001.
gnomAD v4.1: 1 of 1,551,562 alleles (0.000064%); no homozygotes.

Submission:

Labcorp Genetics (formerly Invitae), Labcorp
Classification: Uncertain significance. Last evaluated: 2022-07-19. Review status: criteria provided, single submitter. Criteria: Invitae Variant Classification Sherloc (09022015). Collection method: clinical testing. Allele origin: germline.
Comment: This sequence change replaces threonine, which is neutral and polar, with serine, which is neutral and polar, at codon 2861 of the EYS protein (p.Thr2861Ser). This variant is present in population databases (no rsID available, gnomAD no frequency). This variant has not been reported in the literature in individuals affected with EYS-related conditions. Algorithms developed to predict the effect of missense changes on protein structure and function are either unavailable or do not agree on the potential impact of this missense change (SIFT: "Deleterious"; PolyPhen-2: "Possibly Damaging"; Align-GVGD: "Class C0"). In summary, the available evidence is currently insufficient to determine the role of this variant in disease. Therefore, it has been classified as a Variant of Uncertain Significance.

NM_001142800.2(EYS):c.8581A>T (p.Thr2861Ser)

Genes: EYS (eyes shut homolog; minus strand), PHF3 (PHD finger protein 3; plus strand). Cytogenetic location: 6q12.
Variant type: single nucleotide variant.
Coding change: c.8581A>T on transcript NM_001142800.2 (MANE Select); coding-DNA position 8581, A replaced by T.
Protein change: p.Thr2861Ser; replaces threonine 2861 with serine.
Molecular consequence: missense variant. On other transcripts: 3 prime UTR variant (5).
Genome position (GRCh38, 1-based): chr6:63,721,450, T>A on the plus strand (A>T on the coding strand, the complement: EYS is on the minus strand). VCF-style: chr6-63721450-T-A. GRCh37 (hg19) VCF-style: chr6-64431346-T-A.
Other names: c.*7742T>A (NM_001290259.2, NM_001370348.2, NM_001370349.2 and 2 more transcripts); c.8644A>T, p.Thr2882Ser (NM_001292009.2); short protein forms T2882S, T2861S.
Identifiers: ClinVar variation 2061497 (VCV002061497.1), dbSNP rs1334713199, ClinGen allele CA364384440.